The following is an entry in ClinVar:

ClinVar aggregate classification (germline): Uncertain significance. Review status: criteria provided, single submitter (1 of 4 stars). 2 submissions from 2 submitters: Uncertain significance (1). 1 of the submissions does not count toward it. Last evaluated 2025-11-22.

Conditions:
DSTYK-related disorder. Also called: DSTYK-related condition.

gnomAD v4.1: 93 of 1,607,452 alleles (0.0058%); highest among the groups gnomAD compares: South Asian, 0.074%; 1 homozygote.

Submissions (2):

Labcorp Genetics (formerly Invitae), Labcorp
Classification: Uncertain significance. Last evaluated: 2025-11-22. Review status: criteria provided, single submitter. Criteria: Invitae Variant Classification Sherloc (09022015). Collection method: clinical testing. Allele origin: germline.
Comment: This sequence change replaces glutamine, which is neutral and polar, with arginine, which is basic and polar, at codon 218 of the DSTYK protein (p.Gln218Arg). This variant is present in population databases (rs777960255, gnomAD 0.06%), and has an allele count higher than expected for a pathogenic variant. This variant has not been reported in the literature in individuals affected with DSTYK-related conditions. ClinVar contains an entry for this variant (Variation ID: 3351786). An algorithm developed to predict the effect of missense changes on protein structure and function (PolyPhen-2) suggests that this variant is likely to be tolerated. Algorithms developed to predict the effect of sequence changes on RNA splicing suggest that this variant may disrupt the consensus splice site. In summary, the available evidence is currently insufficient to determine the role of this variant in disease. Therefore, it has been classified as a Variant of Uncertain Significance.

PreventionGenetics, part of Exact Sciences
Classification: Uncertain significance for DSTYK-related condition. Last evaluated: 2024-08-14. Review status: no assertion criteria provided. Collection method: clinical testing. Allele origin: germline. Not counted in ClinVar's aggregate classification.
Comment: The DSTYK c.653A>G variant is predicted to result in the amino acid substitution p.Gln218Arg. To our knowledge, this variant has not been reported in the literature. At this time, the clinical significance of this variant is uncertain due to the absence of conclusive functional and genetic evidence.

NM_015375.3(DSTYK):c.653A>G (p.Gln218Arg)

Gene: DSTYK (dual serine/threonine and tyrosine protein kinase; minus strand). Cytogenetic location: 1q32.1.
Variant type: single nucleotide variant.
Coding change: c.653A>G on transcript NM_015375.3 (MANE Select); coding-DNA position 653, A replaced by G.
Protein change: p.Gln218Arg; replaces glutamine 218 with arginine.
Molecular consequence: missense variant.
Genome position (GRCh38, 1-based): chr1:205,187,419, T>C on the plus strand (A>G on the coding strand, the complement: DSTYK is on the minus strand). VCF-style: chr1-205187419-T-C. GRCh37 (hg19) VCF-style: chr1-205156547-T-C.
Other names: c.653A>G, p.Gln218Arg (NM_199462.3); short protein forms Q218R.
Identifiers: ClinVar variation 3351786 (VCV003351786.2).